The following is an entry in ClinVar:

ClinVar aggregate classification (germline): Uncertain significance. Review status: criteria provided, multiple submitters, no conflicts (2 of 4 stars). 2 submissions from 2 submitters: Uncertain significance (2). Last evaluated 2025-06-05.

Conditions:
Familial cancer of breast. Also called: BREAST CANCER, FAMILIAL; Hereditary breast cancer; hereditary breast carcinoma. Identifiers: Orphanet 227535, MedGen C0346153, MONDO:0016419, OMIM 114480. Disease mechanism: loss of function.
Hereditary cancer-predisposing syndrome. Also called: Neoplastic Syndromes, Hereditary; Tumor predisposition; Hereditary neoplastic syndrome; Hereditary Cancer Syndrome. Identifiers: Orphanet 140162, MedGen C0027672, MeSH D009386, MONDO:0015356.

Allele frequency attached by ClinVar (database versions not stated): gnomAD exomes below 0.00001.

Submissions (2):

Ambry Genetics
Classification: Uncertain significance for Hereditary cancer-predisposing syndrome. Last evaluated: 2025-06-05. Review status: criteria provided, single submitter. Criteria: Ambry Variant Classification Scheme 2023. Collection method: clinical testing. Allele origin: germline.
Comment: The p.C121Y variant (also known as c.362G>A), located in coding exon 2 of the CHEK2 gene, results from a G to A substitution at nucleotide position 362. The cysteine at codon 121 is replaced by tyrosine, an amino acid with highly dissimilar properties. This amino acid position is highly conserved in available vertebrate species. In addition, this alteration is predicted to be deleterious by in silico analysis. Based on the available evidence, the clinical significance of this variant remains unclear.

Labcorp Genetics (formerly Invitae), Labcorp
Classification: Uncertain significance for Familial cancer of breast. Last evaluated: 2024-12-17. Review status: criteria provided, single submitter. Criteria: Invitae Variant Classification Sherloc (09022015). Collection method: clinical testing. Allele origin: germline.
Comment: This sequence change replaces cysteine, which is neutral and slightly polar, with tyrosine, which is neutral and polar, at codon 121 of the CHEK2 protein (p.Cys121Tyr). This variant is not present in population databases (gnomAD no frequency). This variant has not been reported in the literature in individuals affected with CHEK2-related conditions. ClinVar contains an entry for this variant (Variation ID: 824009). An algorithm developed to predict the effect of missense changes on protein structure and function (PolyPhen-2) suggests that this variant is likely to be disruptive. In summary, the available evidence is currently insufficient to determine the role of this variant in disease. Therefore, it has been classified as a Variant of Uncertain Significance.

NM_007194.4(CHEK2):c.362G>A (p.Cys121Tyr)

Gene: CHEK2 (checkpoint kinase 2; minus strand). Cytogenetic location: 22q12.1.
Variant type: single nucleotide variant.
Coding change: c.362G>A on transcript NM_007194.4 (MANE Select); coding-DNA position 362, G replaced by A.
Protein change: p.Cys121Tyr; replaces cysteine 121 with tyrosine.
Molecular consequence: missense variant.
Genome position (GRCh38, 1-based): chr22:28,725,325, C>T on the plus strand (G>A on the coding strand, the complement: CHEK2 is on the minus strand). VCF-style: chr22-28725325-C-T. GRCh37 (hg19) VCF-style: chr22-29121313-C-T.
Other names: c.491G>A, p.Cys164Tyr (NM_001005735.3); c.-416G>A (NM_001257387.3); c.362G>A, p.Cys121Tyr (NM_001349956.3, NM_145862.3); short protein forms C164Y, C121Y.
Identifiers: ClinVar variation 824009 (VCV000824009.10), dbSNP rs777887044, ClinGen allele CA411108147.